The following is an entry in ClinVar:

NM_001042492.3(NF1):c.8288C>T (p.Pro2763Leu)

Gene: NF1 (neurofibromin 1; plus strand). Cytogenetic location: 17q11.2.
Variant type: single nucleotide variant.
Coding change: c.8288C>T on transcript NM_001042492.3 (MANE Select); coding-DNA position 8288, C replaced by T.
Protein change: p.Pro2763Leu; replaces proline 2763 with leucine.
Molecular consequence: missense variant.
Genome position (GRCh38, 1-based): chr17:31,360,614, C>T. VCF-style: chr17-31360614-C-T. GRCh37 (hg19) VCF-style: chr17-29687632-C-T.
Other names: c.8225C>T, p.Pro2742Leu (NM_000267.4); short protein forms P2742L, P2763L.
Identifiers: ClinVar variation 3377785 (VCV003377785.1).

ClinVar aggregate classification (germline): Uncertain significance (1 of 4 stars; one submission).

Conditions:
Neurofibromatosis, type 1 (NF1). Also called: Neurofibromatosis, type I; VON RECKLINGHAUSEN DISEASE; NEUROFIBROMATOSIS, TYPE I, SOMATIC; Peripheral type neurofibromatosis. Identifiers: Orphanet 636, MedGen C0027831, MONDO:0018975, OMIM 162200. Disease mechanism: loss of function.

Submission:

St. Jude Molecular Pathology, St. Jude Children's Research Hospital
Classification: Uncertain significance for Neurofibromatosis, type 1. Last evaluated: 2024-05-12. Review status: criteria provided, single submitter. Criteria: St. Jude Assertion Criteria 2020. Collection method: clinical testing. Allele origin: germline.
Comment: The NF1 c.8225C>T (p.Pro2742Leu) missense change is absent in gnomAD v2.1.1. The in silico tool REVEL is inconclusive about a pathogenic or benign effect of this variant on protein function, and to our knowledge functional studies have not been performed. To our knowledge, this variant has not been reported in individuals with neurofibromatosis type 1. In summary, the evidence currently available is insufficient to determine the clinical significance of this variant. It has therefore been classified as of uncertain significance.